The following is an entry in ClinVar:

NM_004423.4(DVL3):c.909C>G (p.Asn303Lys)

Gene: DVL3 (dishevelled segment polarity protein 3; plus strand). Cytogenetic location: 3q27.1.
Variant type: single nucleotide variant.
Coding change: c.909C>G on transcript NM_004423.4 (MANE Select); coding-DNA position 909, C replaced by G.
Protein change: p.Asn303Lys; replaces asparagine 303 with lysine.
Molecular consequence: missense variant.
Genome position (GRCh38, 1-based): chr3:184,166,451, C>G. VCF-style: chr3-184166451-C-G. GRCh37 (hg19) VCF-style: chr3-183884239-C-G.
Other names: short protein forms N303K.
Identifiers: ClinVar variation 2869624 (VCV002869624.3), dbSNP rs138393220, ClinGen allele CA355409335.

ClinVar aggregate classification (germline): Uncertain significance (1 of 4 stars; one submission).

gnomAD v4.1: 9 of 1,614,162 alleles (0.00056%); highest among the groups gnomAD compares: Non-Finnish European, 0.00076%; no homozygotes.

Submission:

Labcorp Genetics (formerly Invitae), Labcorp
Classification: Uncertain significance. Last evaluated: 2023-12-12. Review status: criteria provided, single submitter. Criteria: Invitae Variant Classification Sherloc (09022015). Collection method: clinical testing. Allele origin: germline.
Comment: This sequence change replaces asparagine, which is neutral and polar, with lysine, which is basic and polar, at codon 303 of the DVL3 protein (p.Asn303Lys). This variant is not present in population databases (gnomAD no frequency). This variant has not been reported in the literature in individuals affected with DVL3-related conditions. Advanced modeling of protein sequence and biophysical properties (such as structural, functional, and spatial information, amino acid conservation, physicochemical variation, residue mobility, and thermodynamic stability) performed at Invitae indicates that this missense variant is expected to disrupt DVL3 protein function with a positive predictive value of 80%. In summary, the available evidence is currently insufficient to determine the role of this variant in disease. Therefore, it has been classified as a Variant of Uncertain Significance.